The following is an entry in ClinVar:

ClinVar aggregate classification (germline): Conflicting classifications of pathogenicity. Review status: criteria provided, conflicting classifications (1 of 4 stars). 5 submissions from 5 submitters: Uncertain significance (3); Benign (1). 1 of the submissions does not count toward it. Last evaluated 2026-01-24.

Conditions:
COL5A2-related disorder. Also called: COL5A2-related condition.
Ehlers-Danlos syndrome, classic type, 1 (EDSCL1). Also called: EHLERS-DANLOS SYNDROME, GRAVIS TYPE; EHLERS-DANLOS SYNDROME, SEVERE CLASSIC TYPE; EDS I; Ehlers-Danlos Syndrome, Classic Type, COL5A1-Related; Ehlers-Danlos syndrome, type 1. Identifiers: MedGen C0268335, MONDO:0019567, OMIM 130000.
Familial thoracic aortic aneurysm and aortic dissection (TAAD). Also called: Thoracic aortic aneurysms and dissections. Identifiers: Orphanet 91387, MedGen C4707243, MONDO:0019625.

Allele frequency attached by ClinVar (database versions not stated): TOPMed 0.00002.
gnomAD v4.1: 43 of 1,613,580 alleles (0.0027%); highest among the groups gnomAD compares: Non-Finnish European, 0.0033%; no homozygotes.

Submissions (5):

Labcorp Genetics (formerly Invitae), Labcorp
Classification: Benign for Ehlers-Danlos syndrome, classic type, 1. Last evaluated: 2026-01-24. Review status: criteria provided, single submitter. Criteria: Invitae Variant Classification Sherloc (09022015). Collection method: clinical testing. Allele origin: germline.

Mayo Clinic Laboratories, Mayo Clinic
Classification: Uncertain significance. Last evaluated: 2025-11-24. Review status: criteria provided, single submitter. Criteria: ACMG Guidelines, 2015. Collection method: clinical testing. Allele origin: germline. Observed: 2 variant alleles.
Comment: BS1

GeneDx
Classification: Uncertain significance. Last evaluated: 2024-07-01. Review status: criteria provided, single submitter. Criteria: GeneDx Variant Classification Process June 2021. Collection method: clinical testing. Allele origin: germline. Affected: yes.
Comment: Has not been previously published as pathogenic or benign to our knowledge; Not observed at significant frequency in large population cohorts (gnomAD); In silico analysis supports that this missense variant has a deleterious effect on protein structure/function; In silico analysis suggests this variant may impact gene splicing. In the absence of RNA/functional studies, the actual effect of this sequence change is unknown.

Ambry Genetics
Classification: Uncertain significance for Familial thoracic aortic aneurysm and aortic dissection. Last evaluated: 2023-09-30. Review status: criteria provided, single submitter. Criteria: Ambry Variant Classification Scheme 2023. Collection method: clinical testing. Allele origin: germline.
Comment: The p.R836P variant (also known as c.2507G>C), located in coding exon 38 of the COL5A2 gene, results from a G to C substitution at nucleotide position 2507. The arginine at codon 836 is replaced by proline, an amino acid with dissimilar properties. This amino acid position is highly conserved in available vertebrate species. In addition, the in silico prediction for this alteration is inconclusive. Since supporting evidence is limited at this time, the clinical significance of this alteration remains unclear.

PreventionGenetics, part of Exact Sciences
Classification: Uncertain significance for COL5A2-related condition. Last evaluated: 2024-07-26. Review status: no assertion criteria provided. Collection method: clinical testing. Allele origin: germline. Not counted in ClinVar's aggregate classification.
Comment: The COL5A2 c.2507G>C variant is predicted to result in the amino acid substitution p.Arg836Pro. To our knowledge, this variant has not been reported in the literature. This variant is reported in 0.0040% of alleles in individuals of African descent in gnomAD. At this time, the clinical significance of this variant is uncertain due to the absence of conclusive functional and genetic evidence.

NM_000393.5(COL5A2):c.2507G>C (p.Arg836Pro)

Gene: COL5A2 (collagen type V alpha 2 chain; minus strand). Cytogenetic location: 2q32.2.
Variant type: single nucleotide variant.
Coding change: c.2507G>C on transcript NM_000393.5 (MANE Select); coding-DNA position 2507, G replaced by C.
Protein change: p.Arg836Pro; replaces arginine 836 with proline.
Molecular consequence: missense variant.
Genome position (GRCh38, 1-based): chr2:189,053,470, C>G on the plus strand (G>C on the coding strand, the complement: COL5A2 is on the minus strand). VCF-style: chr2-189053470-C-G. GRCh37 (hg19) VCF-style: chr2-189918196-C-G.
Other names: p.Arg836Pro; c.2507G>C (NM_000393.4); short protein forms R836P.
Identifiers: ClinVar variation 1046108 (VCV001046108.17), dbSNP rs751683516, ClinGen allele CA2022281.